The following is an entry in ClinVar:

NM_000380.4(XPA):c.*234C>A

Gene: XPA (XPA, DNA damage recognition and repair factor; minus strand). Cytogenetic location: 9q22.33.
Variant type: single nucleotide variant.
Coding change: c.*234C>A on transcript NM_000380.4 (MANE Select); 234 bases downstream of the stop codon, C replaced by A.
Molecular consequence: 3 prime UTR variant. On other transcripts: non-coding transcript variant (5).
Genome position (GRCh38, 1-based): chr9:97,675,205, G>T on the plus strand (C>A on the coding strand, the complement: XPA is on the minus strand). VCF-style: chr9-97675205-G-T. GRCh37 (hg19) VCF-style: chr9-100437487-G-T.
Other names: c.*234C>A (NM_001354975.2).
Identifiers: ClinVar variation 364085 (VCV000364085.9), dbSNP rs3176752, ClinGen allele CA5148635.
Genomic context (GRCh38, chr9:97,675,205, plus strand): 5'-CTCAAATTTGTAGCTGACCTACCACTTCTGCACCTACTCTAGCACTCAGCTCCCATCTCT[G>T]TTGTAAGAAGGCAATCACAGACATGACATTGTGCACACAACCAGGCCAGGTGACCTTCAC-3'

ClinVar aggregate classification (germline): Benign. Review status: criteria provided, multiple submitters, no conflicts (2 of 4 stars). 3 submissions from 3 submitters: Benign (3). Last evaluated 2019-04-16.

Conditions:
Xeroderma pigmentosum group A (XPA). Also called: Xeroderma pigmentosum, complementation group A; XP, group A; XPA-Related Xeroderma Pigmentosum. Identifiers: Orphanet 910, MedGen C0268135, MONDO:0010210, OMIM 278700.

Allele frequency attached by ClinVar (database versions not stated): ExAC 0.01136; gnomAD exomes 0.01686 and 0.03785; gnomAD 0.02286 and 0.02430; TOPMed 0.03087; 1000 Genomes Project 0.06090.
gnomAD v4.1: 11,811 of 633,110 alleles (1.9%); highest among the groups gnomAD compares: Admixed American, 11%; 625 homozygotes.

Submissions (3):

GeneDx
Classification: Benign. Last evaluated: 2019-04-16. Review status: criteria provided, single submitter. Criteria: GeneDx Variant Classification Process June 2021. Collection method: clinical testing. Allele origin: germline. Affected: yes.

Illumina Laboratory Services, Illumina
Classification: Benign for Xeroderma pigmentosum group A. Last evaluated: 2018-01-13. Review status: criteria provided, single submitter. Criteria: ICSL Variant Classification Criteria 13 December 2019. Collection method: clinical testing. Allele origin: germline.
Comment: This variant was observed in the ICSL laboratory as part of a predisposition screen in an ostensibly healthy population. It had not been previously curated by ICSL or reported in the Human Gene Mutation Database (HGMD: prior to June 1st, 2018), and was therefore a candidate for classification through an automated scoring system. Utilizing variant allele frequency, disease prevalence and penetrance estimates, and inheritance mode, an automated score was calculated to assess if this variant is too frequent to cause the disease. Based on the score and internal cut-off values, a variant classified as benign is not then subjected to further curation. The score for this variant resulted in a classification of benign for this disease.

Breakthrough Genomics
Classification: Benign. Review status: criteria provided, single submitter. Criteria: ACMG Guidelines, 2015. Collection method: not provided. Allele origin: germline. Inheritance: Autosomal recessive inheritance. Affected: yes.